The following is an entry in ClinVar:

NM_001009944.3(PKD1):c.1211C>G (p.Pro404Arg)

Gene: PKD1 (polycystin 1, transient receptor potential channel interacting; minus strand). Cytogenetic location: 16p13.3.
Variant type: single nucleotide variant.
Coding change: c.1211C>G on transcript NM_001009944.3 (MANE Select); coding-DNA position 1211, C replaced by G.
Protein change: p.Pro404Arg; replaces proline 404 with arginine.
Molecular consequence: missense variant.
Genome position (GRCh38, 1-based): chr16:2,117,663, G>C on the plus strand (C>G on the coding strand, the complement: PKD1 is on the minus strand). VCF-style: chr16-2117663-G-C. GRCh37 (hg19) VCF-style: chr16-2167664-G-C.
Other names: c.1211C>G, p.Pro404Arg (NM_000296.4); c.1211C>G (NM_001009944.2); short protein forms P404R.
Identifiers: ClinVar variation 1050222 (VCV001050222.8), dbSNP rs767579073, ClinGen allele CA7833572.

ClinVar aggregate classification (germline): Conflicting classifications of pathogenicity. Review status: criteria provided, conflicting classifications (1 of 4 stars). 5 submissions from 5 submitters: Uncertain significance (3); Likely benign (1). 1 of the submissions does not count toward it. Last evaluated 2026-09-15.

Conditions:
Polycystic kidney disease, adult type (PKD1). Also called: Polycystic Kidney Disease 1, Autosomal Dominant; Polycystic kidney disease 1; Polycystic kidney disease 1, severe; POLYCYSTIC KIDNEY DISEASE, ADULT, TYPE I; Polycystic Kidney, Autosomal Dominant; POLYCYSTIC KIDNEY DISEASE 1 WITH OR WITHOUT POLYCYSTIC LIVER DISEASE. Identifiers: MedGen C3149841, MONDO:0008263, OMIM 173900.
PKD1-related disorder. Also called: PKD1-related condition.

Allele frequency attached by ClinVar (database versions not stated): ExAC 0.00016.
gnomAD v4.1: 145 of 1,609,838 alleles (0.009%); highest among the groups gnomAD compares: Middle Eastern, 0.022%; no homozygotes.

Submissions (5):

PreventionGenetics, part of Exact Sciences
Classification: Likely benign for PKD1-related condition. Last evaluated: 2026-09-15. Review status: criteria provided, single submitter. Criteria: ACMG Guidelines, 2015. Collection method: clinical testing. Allele origin: germline.
Comment: This variant is classified as likely benign based on ACMG/AMP sequence variant interpretation guidelines (Richards et al. 2015 PMID: 25741868, with internal and published modifications).

GeneDx
Classification: Uncertain significance. Last evaluated: 2026-08-09. Review status: criteria provided, single submitter. Criteria: GeneDx Variant Classification Process June 2021. Collection method: clinical testing. Allele origin: germline.
Comment: Reported in a patient with polycystic kidney disease in published literature; this patient was found to have a PKD2 variant responsible for the phenotype (PMID: 22383692); In silico analysis supports that this missense variant has a deleterious effect on protein structure/function; This variant is associated with the following publications: (PMID: 25757501, 22383692)

Women's Health and Genetics/Laboratory Corporation of America, LabCorp
Classification: Uncertain significance. Last evaluated: 2024-03-08. Review status: criteria provided, single submitter. Criteria: LabCorp Variant Classification Summary - May 2015. Collection method: clinical testing. Allele origin: germline.
Comment: Variant summary: PKD1 c.1211C>G (p.Pro404Arg) results in a non-conservative amino acid change located in the Polycystin cation channel domain (IPR006228) of the encoded protein sequence. Four of five in-silico tools predict a damaging effect of the variant on protein function. The variant allele was found at a frequency of 8.7e-05 in 229950 control chromosomes (gnomAD). This frequency is not significantly higher than estimated for a pathogenic variant in PKD1 causing Polycystic Kidney Disease 1 (8.7e-05 vs 0.0005), allowing no conclusion about variant significance. c.1211C>G has been reported in the literature in at-least one individual affected with Polycystic Kidney Disease 1 (example: Rossetti_2012). This report does not provide unequivocal conclusions about association of the variant with Polycystic Kidney Disease 1. To our knowledge, no experimental evidence demonstrating an impact on protein function has been reported. The following publication has been ascertained in the context of this evaluation (PMID: 22383692). ClinVar contains an entry for this variant (Variation ID: 1050222). Based on the evidence outlined above, the variant was classified as uncertain significance.

Fulgent Genetics
Classification: Uncertain significance for Polycystic kidney disease, adult type. Last evaluated: 2022-05-13. Review status: criteria provided, single submitter. Criteria: ACMG Guidelines, 2015. Collection method: clinical testing. Allele origin: unknown.

Department of Pathology and Laboratory Medicine, Sinai Health System
Classification: Uncertain significance. Review status: no assertion criteria provided. Collection method: clinical testing. Allele origin: unknown. Affected: yes. Study: The Canadian Open Genetics Repository (COGR). Not counted in ClinVar's aggregate classification.
Comment: The PKD1 p.Pro404Arg variant was identified in 1 of 460 proband chromosomes (frequency: 0.0022) from individuals or families with autosomal dominant polycystic kidney disease (ADPKD), however the clinical significance of this variant was indeterminate (Rossetti_2012_PMID:22383692). The variant was also identified in dbSNP (ID: rs767579073) and the ADPKD Mutation Database but was not identified in ClinVar or LOVD 3.0. The variant was identified in control databases in 21 of 261294 chromosomes at a frequency of 0.00008 (Genome Aggregation Database Feb 27, 2017). The variant was observed in the following populations: Other in 2 of 6746 chromosomes (freq: 0.000297), European (non-Finnish) in 18 of 117658 chromosomes (freq: 0.000153) and European (Finnish) in 1 of 22656 chromosomes (freq: 0.000044); it was not observed in the African, Latino, Ashkenazi Jewish, East Asian, and South Asian populations. In addition we cannot be certain that data from control databases is specific to PKD1 and not from one of the six PKD1 pseudogenes. A study examining the potential splicing effect of PKD1 mutations found that the P404R variant was predicted by the ESEfinder prediction tool to affect a potential exonic splicing enhancer sequence (Claverie-Martin_2015_PMID:25757501). However, the variant occurs outside of the splicing consensus sequence and in silico or computational prediction software programs (SpliceSiteFinder, MaxEntScan, NNSPLICE, GeneSplicer) do not predict a difference in splicing. The p.Pro404 residue is conserved in mammals and computational analyses (PolyPhen-2, SIFT, AlignGVGD, BLOSUM, MutationTaster) provide inconsistent predictions regarding the impact to the protein; this information is not very predictive of pathogenicity. In summary, based on the above information the clinical significance of this variant cannot be determined with certainty at this time. This variant is classified as a variant of uncertain significance.

Literature cited by the submitters: PubMed 22383692 (cited by Women's Health and Genetics/Laboratory Corporation of America, LabCorp).